The following is an entry in ClinVar:

ClinVar aggregate classification (germline): Uncertain significance (1 of 4 stars; one submission).

Conditions:
Neuropathy, hereditary sensory and autonomic, type 2A (HSAN2A). Also called: ACROOSTEOLYSIS, GIACCAI TYPE; ACROOSTEOLYSIS, NEUROGENIC; WNK1-Related HSAN2 (HSAN2A); MORVAN DISEASE; NEUROPATHY, CONGENITAL SENSORY; NEUROPATHY, HEREDITARY SENSORY RADICULAR, AUTOSOMAL RECESSIVE. Identifiers: Orphanet 970, MedGen C2752089, MONDO:0024309, OMIM 201300.
Generalized epilepsy with febrile seizures plus, type 7 (GEFSP7). Also called: GEFS+, TYPE 7. Identifiers: Orphanet 36387, MedGen C2751778, MONDO:0013470, OMIM 613863.

Submission:

Labcorp Genetics (formerly Invitae), Labcorp
Classification: Uncertain significance for Neuropathy, hereditary sensory and autonomic, type 2A; Generalized epilepsy with febrile seizures plus, type 7. Last evaluated: 2024-02-10. Review status: criteria provided, single submitter. Criteria: Invitae Variant Classification Sherloc (09022015). Collection method: clinical testing. Allele origin: germline.
Comment: This sequence change replaces leucine, which is neutral and non-polar, with isoleucine, which is neutral and non-polar, at codon 956 of the SCN9A protein (p.Leu956Ile). This variant is not present in population databases (gnomAD no frequency). This variant has not been reported in the literature in individuals affected with SCN9A-related conditions. Advanced modeling of protein sequence and biophysical properties (such as structural, functional, and spatial information, amino acid conservation, physicochemical variation, residue mobility, and thermodynamic stability) has been performed at Invitae for this missense variant, however the output from this modeling did not meet the statistical confidence thresholds required to predict the impact of this variant on SCN9A protein function. In summary, the available evidence is currently insufficient to determine the role of this variant in disease. Therefore, it has been classified as a Variant of Uncertain Significance.

NM_001365536.1(SCN9A):c.2899T>A (p.Leu967Ile)

Genes: SCN9A (sodium voltage-gated channel alpha subunit 9; minus strand), SCN1A-AS1 (SCN1A and SCN9A antisense RNA 1; plus strand). Cytogenetic location: 2q24.3.
Variant type: single nucleotide variant.
Coding change: c.2899T>A on transcript NM_001365536.1 (MANE Select); coding-DNA position 2899, T replaced by A.
Protein change: p.Leu967Ile; replaces leucine 967 with isoleucine.
Molecular consequence: missense variant.
Genome position (GRCh38, 1-based): chr2:166,272,851, A>T on the plus strand (T>A on the coding strand, the complement: SCN9A is on the minus strand). VCF-style: chr2-166272851-A-T. GRCh37 (hg19) VCF-style: chr2-167129361-A-T.
Other names: c.2866T>A, p.Leu956Ile (NM_002977.4); short protein forms L956I, L967I.
Identifiers: ClinVar variation 3754553 (VCV003754553.2).